The following is an entry in ClinVar:

ClinVar aggregate classification (germline): Uncertain significance. Review status: criteria provided, multiple submitters, no conflicts (2 of 4 stars). 3 submissions from 3 submitters: Uncertain significance (3). Last evaluated 2025-12-04.

Conditions:
Inborn genetic diseases. Identifiers: MedGen C0950123, MeSH D030342.

Submissions (3):

Ambry Genetics
Classification: Uncertain significance for Inborn genetic diseases. Last evaluated: 2025-12-04. Review status: criteria provided, single submitter. Criteria: Ambry Variant Classification Scheme 2023. Collection method: clinical testing. Allele origin: germline.

GeneDx
Classification: Uncertain significance. Last evaluated: 2025-04-16. Review status: criteria provided, single submitter. Criteria: GeneDx Variant Classification Process June 2021. Collection method: clinical testing. Allele origin: germline. Affected: yes.
Comment: Not observed at significant frequency in large population cohorts (gnomAD); In silico analysis supports that this missense variant has a deleterious effect on protein structure/function; Has not been previously published as pathogenic or benign to our knowledge

Labcorp Genetics (formerly Invitae), Labcorp
Classification: Uncertain significance. Last evaluated: 2023-12-11. Review status: criteria provided, single submitter. Criteria: Invitae Variant Classification Sherloc (09022015). Collection method: clinical testing. Allele origin: germline.
Comment: This sequence change replaces aspartic acid, which is acidic and polar, with asparagine, which is neutral and polar, at codon 236 of the BSND protein (p.Asp236Asn). This variant is not present in population databases (gnomAD no frequency). This variant has not been reported in the literature in individuals affected with BSND-related conditions. Advanced modeling of protein sequence and biophysical properties (such as structural, functional, and spatial information, amino acid conservation, physicochemical variation, residue mobility, and thermodynamic stability) has been performed at Invitae for this missense variant, however the output from this modeling did not meet the statistical confidence thresholds required to predict the impact of this variant on BSND protein function. In summary, the available evidence is currently insufficient to determine the role of this variant in disease. Therefore, it has been classified as a Variant of Uncertain Significance.

NM_057176.3(BSND):c.706G>A (p.Asp236Asn)

Gene: BSND (barttin CLCNK type accessory subunit beta; plus strand). Cytogenetic location: 1p32.3.
Variant type: single nucleotide variant.
Coding change: c.706G>A on transcript NM_057176.3 (MANE Select); coding-DNA position 706, G replaced by A.
Protein change: p.Asp236Asn; replaces aspartic acid 236 with asparagine.
Molecular consequence: missense variant.
Genome position (GRCh38, 1-based): chr1:55,008,371, G>A. VCF-style: chr1-55008371-G-A. GRCh37 (hg19) VCF-style: chr1-55474044-G-A.
Other names: c.706G>A (NM_057176.2); short protein forms D236N.
Identifiers: ClinVar variation 2981607 (VCV002981607.4), dbSNP rs1644402526, ClinGen allele CA340478387.
Genomic context (GRCh38, chr1:55,008,371, plus strand): 5'-CATGACAGGGAGGAAGCTTGTTCCCCACAACAGGAACCTCAGGGCTGCAGGTGCCCGCTG[G>A]ACCGCTTCCAAGACTTTGCCCTGATTGATGCCCCAACGTTGGAGGATGAGCCCCAAGAGG-3'
Protein context (NP_476517.1, residues 226-246): QEPQGCRCPL[Asp236Asn]RFQDFALIDA